The following is an entry in ClinVar:

ClinVar aggregate classification (germline): Likely benign. Review status: criteria provided, multiple submitters, no conflicts (2 of 4 stars). 3 submissions from 3 submitters: Likely benign (3). Last evaluated 2025-03-21.

Allele frequency attached by ClinVar (database versions not stated): ESP Exome Variant Server 0.00031; gnomAD 0.00033 and 0.00036; gnomAD exomes 0.00008; ExAC 0.00009; TOPMed 0.00027.
gnomAD v4.1: 111 of 1,612,950 alleles (0.0069%); highest among the groups gnomAD compares: African/African-American, 0.12%; no homozygotes.

Submissions (3):

Mayo Clinic Laboratories, Mayo Clinic
Classification: Likely benign. Last evaluated: 2025-03-21. Review status: criteria provided, single submitter. Criteria: ACMG Guidelines, 2015. Collection method: clinical testing. Allele origin: germline. Observed: 1 variant allele.
Comment: BP4, BP7

Labcorp Genetics (formerly Invitae), Labcorp
Classification: Likely benign. Last evaluated: 2024-03-07. Review status: criteria provided, single submitter. Criteria: Invitae Variant Classification Sherloc (09022015). Collection method: clinical testing. Allele origin: germline.

GeneDx
Classification: Likely benign. Last evaluated: 2020-09-11. Review status: criteria provided, single submitter. Criteria: GeneDx Variant Classification Process June 2021. Collection method: clinical testing. Allele origin: germline. Affected: yes.

NM_138691.3(TMC1):c.135C>A (p.Thr45=)

Gene: TMC1 (transmembrane channel like 1; plus strand). Cytogenetic location: 9q21.13.
Variant type: single nucleotide variant.
Coding change: c.135C>A on transcript NM_138691.3 (MANE Select); coding-DNA position 135, C replaced by A.
Protein change: p.Thr45=; no amino-acid change (threonine 45 retained).
Molecular consequence: synonymous variant.
Genome position (GRCh38, 1-based): chr9:72,694,613, C>A. VCF-style: chr9-72694613-C-A. GRCh37 (hg19) VCF-style: chr9-75309529-C-A.
Other names: p.Thr45=.
Identifiers: ClinVar variation 514983 (VCV000514983.9), dbSNP rs111353632, ClinGen allele CA5081612.
Genomic context (GRCh38, chr9:72,694,613, plus strand): 5'-AGAGGAGGTGGAAGATAAGCTACCTCGAAGAGAGAGCTTGAGACCAAAGAGGAAACGGAC[C>A]AGAGATGTTATCAATGAGGATGACCCAGAACCTGAACCAGAGGATGAAGAAACAAGGAAG-3'
Protein context (NP_619636.2, residues 35-55): RESLRPKRKR[Thr45=]RDVINEDDPE